The following is an entry in ClinVar:

ClinVar aggregate classification (germline): Uncertain significance. Review status: criteria provided, multiple submitters, no conflicts (2 of 4 stars). 2 submissions from 2 submitters: Uncertain significance (2). Last evaluated 2025-08-20.

Conditions:
Developmental and epileptic encephalopathy, 36 (DEE36). Also called: Congenital disorder of glycosylation, type Is; ALG13-CDG; Epileptic encephalopathy, early infantile, 36. Identifiers: Orphanet 324422, MedGen C4317295, MONDO:0010472, OMIM 300884.

Allele frequency attached by ClinVar (database versions not stated): ExAC 0.00001; gnomAD exomes below 0.00001; gnomAD 0.00001.
gnomAD v4.1: 2 of 1,179,361 alleles (0.00017%); highest among the groups gnomAD compares: Admixed American, 0.0025%; no homozygotes.

Submissions (2):

Labcorp Genetics (formerly Invitae), Labcorp
Classification: Uncertain significance for Developmental and epileptic encephalopathy, 36. Last evaluated: 2025-08-20. Review status: criteria provided, single submitter. Criteria: Invitae Variant Classification Sherloc (09022015). Collection method: clinical testing. Allele origin: germline.
Comment: This sequence change replaces serine, which is neutral and polar, with asparagine, which is neutral and polar, at codon 31 of the ALG13 protein (p.Ser31Asn). The frequency data for this variant in the population databases is considered unreliable, as metrics indicate poor data quality at this position in the gnomAD database. This variant has not been reported in the literature in individuals affected with ALG13-related conditions. ClinVar contains an entry for this variant (Variation ID: 2884182). Invitae Evidence Modeling of protein sequence and biophysical properties (such as structural, functional, and spatial information, amino acid conservation, physicochemical variation, residue mobility, and thermodynamic stability) indicates that this missense variant is not expected to disrupt ALG13 protein function with a negative predictive value of 95%. In summary, the available evidence is currently insufficient to determine the role of this variant in disease. Therefore, it has been classified as a Variant of Uncertain Significance.

GeneDx
Classification: Uncertain significance. Last evaluated: 2023-11-08. Review status: criteria provided, single submitter. Criteria: GeneDx Variant Classification Process June 2021. Collection method: clinical testing. Allele origin: germline. Affected: yes.
Comment: Not observed at significant frequency in large population cohorts (gnomAD); In silico analysis supports that this missense variant does not alter protein structure/function; Has not been previously published as pathogenic or benign to our knowledge

NM_001099922.3(ALG13):c.92G>A (p.Ser31Asn)

Gene: ALG13 (ALG13 UDP-N-acetylglucosaminyltransferase subunit; plus strand). Cytogenetic location: Xq23.
Variant type: single nucleotide variant.
Coding change: c.92G>A on transcript NM_001099922.3 (MANE Select); coding-DNA position 92, G replaced by A.
Protein change: p.Ser31Asn; replaces serine 31 with asparagine.
Molecular consequence: missense variant. On other transcripts: 5 prime UTR variant (6), non-coding transcript variant (1), intron variant (5).
Genome position (GRCh38, 1-based): chrX:111,682,142, G>A. VCF-style: chrX-111682142-G-A. GRCh37 (hg19) VCF-style: chrX-110925370-G-A.
Other names: c.92G>A (NM_001099922.2); c.92G>A, p.Ser31Asn (NM_001039210.5, NM_001168385.3, NM_001324290.2 and 2 more transcripts); c.-84G>A (NM_001257231.2, NM_001257241.3); c.-221G>A (NM_001257237.2, NM_001257239.3, NM_001257240.3 and 1 more transcripts); c.-127-94G>A (NM_001257234.2, NM_001257230.2, NM_001257235.3 and 2 more transcripts); short protein forms S31N.
Identifiers: ClinVar variation 2884182 (VCV002884182.4), dbSNP rs762337561, ClinGen allele CA10493449.